The following is an entry in ClinVar:

ClinVar aggregate classification (germline): Uncertain significance (1 of 4 stars; one submission).

Conditions:
Familial thoracic aortic aneurysm and aortic dissection (TAAD). Also called: Thoracic aortic aneurysms and dissections. Identifiers: Orphanet 91387, MedGen C4707243, MONDO:0019625.

Submission:

Ambry Genetics
Classification: Uncertain significance for Familial thoracic aortic aneurysm and aortic dissection. Last evaluated: 2025-06-13. Review status: criteria provided, single submitter. Criteria: Ambry Variant Classification Scheme 2023. Collection method: clinical testing. Allele origin: germline.
Comment: The c.1053_1055delCCT variant (also known as p.L352del) is located in coding exon 8 of the SMAD3 gene. This variant results from an in-frame CCT deletion at nucleotide positions 1053 to 1055. This results in the in-frame deletion of a leucine at codon 352. This amino acid position is highly conserved in available vertebrate species. In addition, this variant is predicted to be deleterious by in silico analysis (Choi Y et al. PLoS ONE. 2012; 7(10):e46688). Based on the available evidence, the clinical significance of this variant remains unclear.

NM_005902.4(SMAD3):c.1050CCT[1] (p.Leu352del)

Gene: SMAD3 (SMAD family member 3; plus strand). Cytogenetic location: 15q22.33.
Variant type: Microsatellite.
Coding change: c.1050CCT[1] on transcript NM_005902.4 (MANE Select); one copy of the 3-base unit CCT starting at c.1050; the reference has two copies in a row; one copy, 3 bases deleted.
Protein change: p.Leu352del; deletes leucine 352.
Genome position (GRCh38, 1-based): chr15:67,187,408-67,187,410, CCT deleted; deleting any 3 consecutive bases within chr15:67,187,405-67,187,410 gives the same sequence; the position shown is the placement nearest the transcript's 3' end. VCF-style (leftmost placement, unchanged base first): chr15-67187404-CCCT-C. GRCh37 (hg19) VCF-style: chr15-67479742-CCCT-C.
Other names: c.918CCT[1], p.Leu308del (NM_001407012.1, NM_001145103.2); c.912CCT[1], p.Leu306del (NM_001407013.1); c.903CCT[1], p.Leu303del (NM_001407014.1); c.603CCT[1], p.Leu203del (NM_001407015.1); c.735CCT[1], p.Leu247del (NM_001407016.1, NM_001145102.2); c.465CCT[1], p.Leu157del (NM_001407017.1, NM_001145104.2); c.1161CCT[1], p.Leu389del (NM_001407011.1); short protein forms L247del, L157del, L203del, L303del, L352del, L389del, L306del, L308del.
Identifiers: ClinVar variation 3958353 (VCV003958353.1).